The following is an entry in ClinVar:

ClinVar aggregate classification (germline): Uncertain significance (1 of 4 stars; one submission).

Submission:

Labcorp Genetics (formerly Invitae), Labcorp
Classification: Uncertain significance. Last evaluated: 2025-10-24. Review status: criteria provided, single submitter. Criteria: Invitae Variant Classification Sherloc (09022015). Collection method: clinical testing. Allele origin: germline.
Comment: This sequence change replaces arginine, which is basic and polar, with tryptophan, which is neutral and slightly polar, at codon 102 of the SH3KBP1 protein (p.Arg102Trp). This variant is not present in population databases (gnomAD no frequency). This variant has not been reported in the literature in individuals affected with SH3KBP1-related conditions. Invitae Evidence Modeling of protein sequence and biophysical properties (such as structural, functional, and spatial information, amino acid conservation, physicochemical variation, residue mobility, and thermodynamic stability) has been performed for this missense variant. However, the output from this modeling did not meet the statistical confidence thresholds required to predict the impact of this variant on SH3KBP1 protein function. In summary, the available evidence is currently insufficient to determine the role of this variant in disease. Therefore, it has been classified as a Variant of Uncertain Significance.

NM_031892.3(SH3KBP1):c.304C>T (p.Arg102Trp)

Gene: SH3KBP1 (SH3 domain containing kinase binding protein 1; minus strand). Cytogenetic location: Xp22.12.
Variant type: single nucleotide variant.
Coding change: c.304C>T on transcript NM_031892.3 (MANE Select); coding-DNA position 304, C replaced by T.
Protein change: p.Arg102Trp; replaces arginine 102 with tryptophan.
Molecular consequence: missense variant.
Genome position (GRCh38, 1-based): chrX:19,706,967, G>A on the plus strand (C>T on the coding strand, the complement: SH3KBP1 is on the minus strand). VCF-style: chrX-19706967-G-A. GRCh37 (hg19) VCF-style: chrX-19725085-G-A.
Other names: c.193C>T, p.Arg65Trp (NM_001024666.3); c.304C>T, p.Arg102Trp (NM_001353890.2, NM_001353891.2, NM_001353892.2 and 2 more transcripts); c.127C>T, p.Arg43Trp (NM_001353893.2, NM_001353894.2, NM_001353895.2 and 1 more transcripts); short protein forms R102W, R43W, R65W.
Identifiers: ClinVar variation 4810391 (VCV004810391.1).